The following is an entry in ClinVar:

NM_032242.4(PLXNA1):c.4510-8G>A

Gene: PLXNA1 (plexin A1; plus strand). Cytogenetic location: 3q21.3.
Variant type: single nucleotide variant.
Coding change: c.4510-8G>A on transcript NM_032242.4 (MANE Select); 8 bases into the intron before coding-DNA position 4510, G replaced by A.
Molecular consequence: intron variant.
Genome position (GRCh38, 1-based): chr3:127,028,173, G>A. VCF-style: chr3-127028173-G-A. GRCh37 (hg19) VCF-style: chr3-126747016-G-A.
Identifiers: ClinVar variation 3053936 (VCV003053936.2), dbSNP rs192809412, ClinGen allele CA2594402.

ClinVar aggregate classification (germline): Likely benign (0 of 4 stars; one submission).

Conditions:
PLXNA1-related disorder. Also called: PLXNA1-related condition.

Allele frequency attached by ClinVar (database versions not stated): gnomAD exomes 0.00004; ExAC 0.00017; TOPMed 0.00026; gnomAD 0.00032; 1000 Genomes Project 30x 0.00047; 1000 Genomes Project 0.00060; ESP Exome Variant Server 0.00077.
gnomAD v4.1: 123 of 1,611,272 alleles (0.0076%); highest among the groups gnomAD compares: African/African-American, 0.096%; no homozygotes.

Submission:

PreventionGenetics, part of Exact Sciences
Classification: Likely benign for PLXNA1-related condition. Last evaluated: 2021-05-19. Review status: no assertion criteria provided. Collection method: clinical testing. Allele origin: germline.
Comment: This variant is classified as likely benign based on ACMG/AMP sequence variant interpretation guidelines (Richards et al. 2015 PMID: 25741868, with internal and published modifications).